The following is an entry in ClinVar:

ClinVar aggregate classification (germline): Uncertain significance. Review status: criteria provided, multiple submitters, no conflicts (2 of 4 stars). 2 submissions from 2 submitters: Uncertain significance (2). Last evaluated 2022-10-04.

Conditions:
Inborn genetic diseases. Identifiers: MedGen C0950123, MeSH D030342.
Hereditary spastic paraplegia 39 (SPG39). Also called: Spastic Paraplegia Type 39 (SPG39); SPASTIC PARAPLEGIA 39, AUTOSOMAL RECESSIVE. Identifiers: Orphanet 139480, MedGen C2677586, MONDO:0012787, OMIM 612020.

Allele frequency attached by ClinVar (database versions not stated): gnomAD exomes below 0.00001; TOPMed 0.00001; gnomAD 0.00002.
gnomAD v4.1: 6 of 1,613,718 alleles (0.00037%); highest among the groups gnomAD compares: East Asian, 0.0045%; no homozygotes.

Submissions (2):

Ambry Genetics
Classification: Uncertain significance for Inborn genetic diseases. Last evaluated: 2022-10-04. Review status: criteria provided, single submitter. Criteria: Ambry Variant Classification Scheme 2023. Collection method: clinical testing. Allele origin: germline.

Labcorp Genetics (formerly Invitae), Labcorp
Classification: Uncertain significance for Hereditary spastic paraplegia 39. Last evaluated: 2022-08-16. Review status: criteria provided, single submitter. Criteria: Invitae Variant Classification Sherloc (09022015). Collection method: clinical testing. Allele origin: germline.
Comment: This sequence change replaces proline, which is neutral and non-polar, with leucine, which is neutral and non-polar, at codon 764 of the PNPLA6 protein (p.Pro764Leu). In summary, the available evidence is currently insufficient to determine the role of this variant in disease. Therefore, it has been classified as a Variant of Uncertain Significance. Algorithms developed to predict the effect of sequence changes on RNA splicing suggest that this variant may create or strengthen a splice site. Algorithms developed to predict the effect of missense changes on protein structure and function are either unavailable or do not agree on the potential impact of this missense change (SIFT: "Tolerated"; PolyPhen-2: "Probably Damaging"; Align-GVGD: "Class C0"). ClinVar contains an entry for this variant (Variation ID: 1039185). This variant has not been reported in the literature in individuals affected with PNPLA6-related conditions. This variant is not present in population databases (gnomAD no frequency).

NM_001166114.2(PNPLA6):c.2405C>T (p.Pro802Leu)

Gene: PNPLA6 (patatin like domain 6, lysophospholipase; plus strand). Cytogenetic location: 19p13.2.
Variant type: single nucleotide variant.
Coding change: c.2405C>T on transcript NM_001166114.2 (MANE Select); coding-DNA position 2405, C replaced by T.
Protein change: p.Pro802Leu; replaces proline 802 with leucine.
Molecular consequence: missense variant.
Genome position (GRCh38, 1-based): chr19:7,554,212, C>T. VCF-style: chr19-7554212-C-T. GRCh37 (hg19) VCF-style: chr19-7619098-C-T.
Other names: c.2291C>T (NM_006702.4); c.2435C>T, p.Pro812Leu (NM_001166111.2); c.2210C>T, p.Pro737Leu (NM_001166112.2); c.2291C>T, p.Pro764Leu (NM_001166113.1, NM_006702.5); short protein forms P737L, P802L, P812L, P764L.
Identifiers: ClinVar variation 1039185 (VCV001039185.7), dbSNP rs1009954378, ClinGen allele CA304878509.